The following is an entry in ClinVar:

NM_020433.5(JPH2):c.595G>A (p.Gly199Ser)

Gene: JPH2 (junctophilin 2; minus strand). Cytogenetic location: 20q13.12.
Variant type: single nucleotide variant.
Coding change: c.595G>A on transcript NM_020433.5 (MANE Select); coding-DNA position 595, G replaced by A.
Protein change: p.Gly199Ser; replaces glycine 199 with serine.
Molecular consequence: missense variant.
Genome position (GRCh38, 1-based): chr20:44,160,192, C>T on the plus strand (G>A on the coding strand, the complement: JPH2 is on the minus strand). VCF-style: chr20-44160192-C-T. GRCh37 (hg19) VCF-style: chr20-42788832-C-T.
Other names: short protein forms G199S.
Identifiers: ClinVar variation 1750729 (VCV001750729.4), dbSNP rs1368986559, ClinGen allele CA409094071.

ClinVar aggregate classification (germline): Uncertain significance. Review status: criteria provided, multiple submitters, no conflicts (2 of 4 stars). 2 submissions from 2 submitters: Uncertain significance (2). Last evaluated 2024-09-18.

Conditions:
Cardiovascular phenotype. Identifiers: MedGen CN230736.
Hypertrophic cardiomyopathy. Also called: HYPERTROPHIC MYOCARDIOPATHY. Identifiers: Orphanet 217569, MedGen C0007194, MeSH D002312, MONDO:0005045, HP:0001639.

Allele frequency attached by ClinVar (database versions not stated): TOPMed below 0.00001; gnomAD 0.00001.
gnomAD v4.1: 1 of 1,400,406 alleles (0.000071%); highest among the groups gnomAD compares: African/African-American, 0.0015%; no homozygotes.

Submissions (2):

Labcorp Genetics (formerly Invitae), Labcorp
Classification: Uncertain significance for Hypertrophic cardiomyopathy. Last evaluated: 2024-09-18. Review status: criteria provided, single submitter. Criteria: Invitae Variant Classification Sherloc (09022015). Collection method: clinical testing. Allele origin: germline.
Comment: This sequence change replaces glycine, which is neutral and non-polar, with serine, which is neutral and polar, at codon 199 of the JPH2 protein (p.Gly199Ser). This variant is not present in population databases (gnomAD no frequency). This variant has not been reported in the literature in individuals affected with JPH2-related conditions. ClinVar contains an entry for this variant (Variation ID: 1750729). An algorithm developed to predict the effect of missense changes on protein structure and function (PolyPhen-2) suggests that this variant is likely to be disruptive. In summary, the available evidence is currently insufficient to determine the role of this variant in disease. Therefore, it has been classified as a Variant of Uncertain Significance.

Ambry Genetics
Classification: Uncertain significance for Cardiovascular phenotype. Last evaluated: 2022-04-06. Review status: criteria provided, single submitter. Criteria: Ambry Variant Classification Scheme 2023. Collection method: clinical testing. Allele origin: germline.
Comment: The p.G199S variant (also known as c.595G>A), located in coding exon 2 of the JPH2 gene, results from a G to A substitution at nucleotide position 595. The glycine at codon 199 is replaced by serine, an amino acid with similar properties. This amino acid position is conserved. In addition, the in silico prediction for this alteration is inconclusive. Since supporting evidence is limited at this time, the clinical significance of this alteration remains unclear.